The following is an entry in ClinVar:

NM_005956.4(MTHFD1):c.2375del (p.Gly792fs)

Genes: MTHFD1 (methylenetetrahydrofolate dehydrogenase, cyclohydrolase and formyltetrahydrofolate synthetase 1; plus strand), ZBTB25 (zinc finger and BTB domain containing 25; minus strand). Cytogenetic location: 14q23.3.
Variant type: Deletion.
Coding change: c.2375del on transcript NM_005956.4 (MANE Select); coding-DNA position 2375, one base deleted (G; older notation c.2375delG).
Protein change: p.Gly792fs; shifts the reading frame from glycine 792.
Molecular consequence: frameshift variant. On other transcripts: 3 prime UTR variant (1).
Genome position (GRCh38, 1-based): chr14:64,449,540, G deleted; the last of 5 consecutive G bases (chr14:64,449,536-64,449,540); deleting any one gives the same sequence. VCF-style (leftmost placement, unchanged base first): chr14-64449535-AG-A. GRCh37 (hg19) VCF-style: chr14-64916253-AG-A.
Other names: c.2375del, p.Gly792fs (NM_001364837.1); c.*15del (NM_001304508.1); short protein forms G792fs.
Identifiers: ClinVar variation 4718029 (VCV004718029.1).
Genomic context (GRCh38, chr14:64,449,535, plus strand): 5'-CAGCCGCCTTTCCAGAGAACATGGGGCTTTTGATGCCGTGAAGTGCACTCACTGGGCAGA[AG>A]GGGGCAAGGGTGCCTTAGCCCTGGCTCAGGCCGTCCAGAGAGCAGCACAAGCACCCAGCA-3'

ClinVar aggregate classification (germline): Pathogenic (1 of 4 stars; one submission).

Submission:

Labcorp Genetics (formerly Invitae), Labcorp
Classification: Pathogenic. Last evaluated: 2025-09-09. Review status: criteria provided, single submitter. Criteria: Invitae Variant Classification Sherloc (09022015). Collection method: clinical testing. Allele origin: germline.
Comment: This sequence change creates a premature translational stop signal (p.Gly792Alafs*5) in the MTHFD1 gene. It is expected to result in an absent or disrupted protein product. Loss-of-function variants in MTHFD1 are known to be pathogenic (PMID: 21813566, 25633902). This variant is not present in population databases (gnomAD no frequency). This variant has not been reported in the literature in individuals affected with MTHFD1-related conditions. For these reasons, this variant has been classified as Pathogenic.

Literature cited by the submitters: PubMed 21813566; PubMed 25633902.